The following is an entry in ClinVar:

ClinVar aggregate classification (germline): Likely benign. Review status: criteria provided, single submitter (1 of 4 stars). 2 submissions from 2 submitters: Likely benign (1). 1 of the submissions does not count toward it. Last evaluated 2018-11-16.

Conditions:
FAN1-related disorder. Also called: FAN1-related condition.

Allele frequency attached by ClinVar (database versions not stated): gnomAD 0.00001 and 0.00005; TOPMed 0.00002; gnomAD exomes 0.00014 and 0.00031; ExAC 0.00030; 1000 Genomes Project 0.00040; 1000 Genomes Project 30x 0.00047.
gnomAD v4.1: 211 of 1,611,100 alleles (0.013%); highest among the groups gnomAD compares: South Asian, 0.23%; 2 homozygotes.

Submissions (2):

Labcorp Genetics (formerly Invitae), Labcorp
Classification: Likely benign. Last evaluated: 2018-11-16. Review status: criteria provided, single submitter. Criteria: Invitae Variant Classification Sherloc (09022015). Collection method: clinical testing. Allele origin: germline.

PreventionGenetics, part of Exact Sciences
Classification: Likely benign for FAN1-related condition. Last evaluated: 2024-08-29. Review status: no assertion criteria provided. Collection method: clinical testing. Allele origin: germline. Not counted in ClinVar's aggregate classification.
Comment: This variant is classified as likely benign based on ACMG/AMP sequence variant interpretation guidelines (Richards et al. 2015 PMID: 25741868, with internal and published modifications).

NM_014967.5(FAN1):c.2525A>G (p.Tyr842Cys)

Genes: FAN1 (FANCD2 and FANCI associated nuclease 1; plus strand), MTMR10 (myotubularin related protein 10; minus strand). Cytogenetic location: 15q13.3.
Variant type: single nucleotide variant.
Coding change: c.2525A>G on transcript NM_014967.5 (MANE Select); coding-DNA position 2525, A replaced by G.
Protein change: p.Tyr842Cys; replaces tyrosine 842 with cysteine.
Molecular consequence: missense variant.
Genome position (GRCh38, 1-based): chr15:30,928,589, A>G. VCF-style: chr15-30928589-A-G. GRCh37 (hg19) VCF-style: chr15-31220792-A-G.
Other names: short protein forms Y842C.
Identifiers: ClinVar variation 794639 (VCV000794639.4), dbSNP rs543726663, ClinGen allele CA7450679.